The following is an entry in ClinVar:

ClinVar aggregate classification (germline): Uncertain significance (1 of 4 stars; one submission).

Allele frequency attached by ClinVar (database versions not stated): gnomAD 0.00001; 1000 Genomes Project 30x 0.00016; 1000 Genomes Project 0.00020.
gnomAD v4.1: 1 of 1,494,138 alleles (0.000067%); highest among the groups gnomAD compares: East Asian, 0.0023%; no homozygotes.

Submission:

Labcorp Genetics (formerly Invitae), Labcorp
Classification: Uncertain significance. Last evaluated: 2021-07-13. Review status: criteria provided, single submitter. Criteria: Invitae Variant Classification Sherloc (09022015). Collection method: clinical testing. Allele origin: germline.
Comment: This sequence change replaces asparagine with histidine at codon 852 of the PLK4 protein (p.Asn852His). The asparagine residue is weakly conserved and there is a small physicochemical difference between asparagine and histidine. This variant is not present in population databases (ExAC no frequency). This variant has not been reported in the literature in individuals affected with PLK4-related conditions. Algorithms developed to predict the effect of missense changes on protein structure and function (SIFT, PolyPhen-2, Align-GVGD) all suggest that this variant is likely to be tolerated. In summary, the available evidence is currently insufficient to determine the role of this variant in disease. Therefore, it has been classified as a Variant of Uncertain Significance.

NM_014264.5(PLK4):c.2554A>C (p.Asn852His)

Gene: PLK4 (polo like kinase 4; plus strand). Cytogenetic location: 4q28.1.
Variant type: single nucleotide variant.
Coding change: c.2554A>C on transcript NM_014264.5 (MANE Select); coding-DNA position 2554, A replaced by C.
Protein change: p.Asn852His; replaces asparagine 852 with histidine.
Molecular consequence: missense variant.
Genome position (GRCh38, 1-based): chr4:127,893,873, A>C. VCF-style: chr4-127893873-A-C. GRCh37 (hg19) VCF-style: chr4-128815028-A-C.
Other names: c.2458A>C, p.Asn820His (NM_001190799.2); c.2431A>C, p.Asn811His (NM_001190801.2); short protein forms N852H, N811H, N820H.
Identifiers: ClinVar variation 1502338 (VCV001502338.8), dbSNP rs546161912, ClinGen allele CA105642010.